The following is an entry in ClinVar:

ClinVar aggregate classification (germline): Conflicting classifications of pathogenicity. Review status: criteria provided, conflicting classifications (1 of 4 stars). 2 submissions from 2 submitters: Uncertain significance (1); Benign (1). Last evaluated 2024-01-11.

Conditions:
Hereditary spastic paraplegia 4. Also called: Familial spastic paraplegia autosomal dominant 2; Spastic paraplegia 4, autosomal dominant; Spastic Paraplegia 4. Identifiers: Orphanet 100985, MedGen C1866855, MONDO:0008438, OMIM 182601.
SPAST-related disorder. Also called: SPAST-related condition.

Allele frequency attached by ClinVar (database versions not stated): gnomAD exomes 0.00001; ExAC 0.00004; TOPMed 0.00004; gnomAD 0.00005; 1000 Genomes Project 30x 0.00016; 1000 Genomes Project 0.00020.
gnomAD v4.1: 19 of 1,608,366 alleles (0.0012%); highest among the groups gnomAD compares: African/African-American, 0.017%; no homozygotes.

Submissions (2):

Labcorp Genetics (formerly Invitae), Labcorp
Classification: Benign for Hereditary spastic paraplegia 4. Last evaluated: 2024-01-11. Review status: criteria provided, single submitter. Criteria: Invitae Variant Classification Sherloc (09022015). Collection method: clinical testing. Allele origin: germline.

PreventionGenetics, part of Exact Sciences
Classification: Uncertain significance for SPAST-related condition. Last evaluated: 2022-09-28. Review status: criteria provided, single submitter. Criteria: ACMG Guidelines, 2015. Collection method: clinical testing. Allele origin: germline.
Comment: The SPAST c.127G>C variant is predicted to result in the amino acid substitution p.Glu43Gln. This variant was reported in the heterozygous state in an individual with spastic paraplegia (Depienne et al 2006. PubMed ID: 16055926). This variant is reported in 0.025% of alleles in individuals of African descent in gnomAD. At this time, the clinical significance of this variant is uncertain due to the absence of conclusive functional and genetic evidence.

NM_014946.4(SPAST):c.127G>C (p.Glu43Gln)

Gene: SPAST (spastin; plus strand). Cytogenetic location: 2p22.3.
Variant type: single nucleotide variant.
Coding change: c.127G>C on transcript NM_014946.4 (MANE Select); coding-DNA position 127, G replaced by C.
Protein change: p.Glu43Gln; replaces glutamic acid 43 with glutamine.
Molecular consequence: missense variant.
Genome position (GRCh38, 1-based): chr2:32,063,958, G>C. VCF-style: chr2-32063958-G-C. GRCh37 (hg19) VCF-style: chr2-32289027-G-C.
Other names: c.127G>C, p.Glu43Gln (NM_001363875.2, NM_001377959.1, NM_001363823.2 and 1 more transcripts); short protein forms E43Q.
Identifiers: ClinVar variation 2634603 (VCV002634603.4), dbSNP rs573642949, ClinGen allele CA1600497.